The following is an entry in ClinVar:

ClinVar aggregate classification (germline): Uncertain significance. Review status: criteria provided, multiple submitters, no conflicts (2 of 4 stars). 6 submissions from 6 submitters: Uncertain significance (6). Last evaluated 2025-07-25.

Conditions:
Hereditary cancer-predisposing syndrome. Also called: Neoplastic Syndromes, Hereditary; Tumor predisposition; Hereditary Cancer Syndrome; Hereditary neoplastic syndrome. Identifiers: Orphanet 140162, MedGen C0027672, MeSH D009386, MONDO:0015356.
Hereditary pheochromocytoma and paraganglioma. Also called: Hereditary pheochromocytoma-paraganglioma; Hereditary Paraganglioma-Pheochromocytoma Syndromes; Hereditary paragangliomas and pheochromocytomas. Identifiers: Orphanet 29072, MedGen C4274332, MONDO:0017366.
Pheochromocytoma/paraganglioma syndrome 4. Also called: CAROTID BODY TUMORS AND MULTIPLE EXTRAADRENAL PHEOCHROMOCYTOMAS; SDHB-Related Hereditary Paraganglioma-Pheochromocytoma Syndrome (Paragangliomas 4); SDHB-Related Hereditary Paraganglioma-Pheochromocytoma Syndrome; PARAGANGLIOMA, FAMILIAL MALIGNANT; PARAGANGLIOMAS, HEREDITARY EXTRAADRENAL; PHEOCHROMOCYTOMA, FAMILIAL EXTRAADRENAL. Identifiers: Orphanet 29072, MedGen C1861848, MONDO:0007273, OMIM 115310.
Gastrointestinal stromal tumor. Also called: Gastrointestinal stromal tumor, somatic; Gastrointestinal stroma tumor. Identifiers: Orphanet 44890, MedGen C0238198, MeSH D046152, MONDO:0011719, OMIM 606764, HP:0100723.
Pheochromocytoma. Also called: MAX-Related Hereditary Paraganglioma-Pheochromocytoma Syndrome. Identifiers: Orphanet 29072, MedGen C0031511, MONDO:0008233, OMIM 171300, HP:0002666.

Allele frequency attached by ClinVar (database versions not stated): TOPMed 0.00001; gnomAD exomes below 0.00001; ExAC 0.00001; gnomAD 0.00001.
gnomAD v4.1: 2 of 1,614,038 alleles (0.00012%); highest among the groups gnomAD compares: Non-Finnish European, 0.00017%; no homozygotes.

Submissions (6):

Ambry Genetics
Classification: Uncertain significance for Hereditary cancer-predisposing syndrome. Last evaluated: 2025-07-25. Review status: criteria provided, single submitter. Criteria: Ambry Variant Classification Scheme 2023. Collection method: clinical testing. Allele origin: germline.
Comment: The p.L121P variant (also known as c.362T>C), located in coding exon 4 of the SDHB gene, results from a T to C substitution at nucleotide position 362. The leucine at codon 121 is replaced by proline, an amino acid with similar properties. This alteration was detected in one individual from a cohort of individuals with Cowden syndrome/Cowden-like syndrome who previously tested negative for PTEN pathogenic variants (Ni Y et al. Clin. Cancer Res., 2012 Sep;18:4954-61). This amino acid position is not well conserved in available vertebrate species. In addition, this alteration is predicted to be deleterious by in silico analysis. Based on the available evidence, the clinical significance of this variant remains unclear.

Quest Diagnostics Nichols Institute San Juan Capistrano
Classification: Uncertain significance. Last evaluated: 2025-01-02. Review status: criteria provided, single submitter. Criteria: Quest Diagnostics criteria. Collection method: clinical testing. Allele origin: unknown.

Labcorp Genetics (formerly Invitae), Labcorp
Classification: Uncertain significance for Gastrointestinal stromal tumor; Pheochromocytoma/paraganglioma syndrome 4; Pheochromocytoma. Last evaluated: 2024-11-02. Review status: criteria provided, single submitter. Criteria: Invitae Variant Classification Sherloc (09022015). Collection method: clinical testing. Allele origin: germline.
Comment: This sequence change replaces leucine, which is neutral and non-polar, with proline, which is neutral and non-polar, at codon 121 of the SDHB protein (p.Leu121Pro). This variant is present in population databases (rs775925040, gnomAD 0.0009%). This missense change has been observed in individual(s) with Cowden or Cowden-like syndrome (PMID: 22829200). ClinVar contains an entry for this variant (Variation ID: 824010). Invitae Evidence Modeling of protein sequence and biophysical properties (such as structural, functional, and spatial information, amino acid conservation, physicochemical variation, residue mobility, and thermodynamic stability) indicates that this missense variant is not expected to disrupt SDHB protein function with a negative predictive value of 80%. In summary, the available evidence is currently insufficient to determine the role of this variant in disease. Therefore, it has been classified as a Variant of Uncertain Significance.

Baylor Genetics
Classification: Uncertain significance for Gastrointestinal stromal tumor. Last evaluated: 2023-10-18. Review status: criteria provided, single submitter. Criteria: ACMG Guidelines, 2015. Collection method: clinical testing. Allele origin: unknown.

All of Us Research Program, National Institutes of Health
Classification: Uncertain significance for Hereditary pheochromocytoma and paraganglioma. Last evaluated: 2023-05-04. Review status: criteria provided, single submitter. Criteria: ACMG Guidelines, 2015. Collection method: clinical testing. Allele origin: germline. Inheritance: Autosomal dominant inheritance. Observed: 1 variant allele, 1 heterozygote.
Comment: This missense variant replaces leucine with proline at codon 121 of the SDHB protein. Computational prediction is inconclusive regarding the impact of this variant on protein structure and function (internally defined REVEL score threshold 0.5 < inconclusive < 0.7, PMID: 27666373). To our knowledge, functional studies have not been reported for this variant. This variant has not been reported in individuals affected with SDHB-related disorders in the literature. This variant has been identified in 1/251474 chromosomes in the general population by the Genome Aggregation Database (gnomAD). The available evidence is insufficient to determine the role of this variant in disease conclusively. Therefore, this variant is classified as a Variant of Uncertain Significance.

This study involves interpretation of variants in research participants for the purpose of population health screening. Participant phenotype was not available at the time of variant classification. Additional details can be found in publication PMID: 35346344, PMCID: PMC8962531

GeneDx
Classification: Uncertain significance. Last evaluated: 2019-11-13. Review status: criteria provided, single submitter. Criteria: GeneDx Variant Classification Process June 2021. Collection method: clinical testing. Allele origin: germline. Affected: yes.
Comment: Not observed at a significant frequency in large population cohorts (Lek 2016); In silico analysis, which includes protein predictors and evolutionary conservation, supports that this variant does not alter protein structure/function; Observed in individuals with Cowden or Cowden-like syndrome (Ni 2012); This variant is associated with the following publications: (PMID: 22829200)

Literature cited by the submitters: PubMed 22829200 (cited by Ambry Genetics and Labcorp Genetics (formerly Invitae), Labcorp).

NM_003000.3(SDHB):c.362T>C (p.Leu121Pro)

Gene: SDHB (succinate dehydrogenase complex iron sulfur subunit B; minus strand). Cytogenetic location: 1p36.13.
Variant type: single nucleotide variant.
Coding change: c.362T>C on transcript NM_003000.3 (MANE Select); coding-DNA position 362, T replaced by C.
Protein change: p.Leu121Pro; replaces leucine 121 with proline.
Molecular consequence: missense variant.
Genome position (GRCh38, 1-based): chr1:17,028,661, A>G on the plus strand (T>C on the coding strand, the complement: SDHB is on the minus strand). VCF-style: chr1-17028661-A-G. GRCh37 (hg19) VCF-style: chr1-17355156-A-G.
Other names: short protein forms L121P.
Identifiers: ClinVar variation 824010 (VCV000824010.17), dbSNP rs775925040, ClinGen allele CA089597.